The following is an entry in ClinVar:

NM_002968.3(SALL1):c.2846A>G (p.Gln949Arg)

Gene: SALL1 (spalt like transcription factor 1; minus strand). Cytogenetic location: 16q12.1.
Variant type: single nucleotide variant.
Coding change: c.2846A>G on transcript NM_002968.3 (MANE Select); coding-DNA position 2846, A replaced by G.
Protein change: p.Gln949Arg; replaces glutamine 949 with arginine.
Molecular consequence: missense variant.
Genome position (GRCh38, 1-based): chr16:51,139,376, T>C on the plus strand (A>G on the coding strand, the complement: SALL1 is on the minus strand). VCF-style: chr16-51139376-T-C. GRCh37 (hg19) VCF-style: chr16-51173287-T-C.
Other names: c.2555A>G, p.Gln852Arg (NM_001127892.2); short protein forms Q852R, Q949R.
Identifiers: ClinVar variation 988234 (VCV000988234.2), dbSNP rs889576974, ClinGen allele CA281301056.

ClinVar aggregate classification (germline): Uncertain significance. Review status: criteria provided, single submitter (1 of 4 stars). 2 submissions from 2 submitters: Uncertain significance (1). 1 of the submissions does not count toward it. Last evaluated 2020-06-11.

Conditions:
Townes-Brocks syndrome 1 (TBS1). Also called: SALL1-Related Townes-Brocks Syndrome; DEAFNESS, SENSORINEURAL, WITH IMPERFORATE ANUS AND THUMB ANOMALIES; REAR SYNDROME; RENAL-EAR-ANAL-RADIAL SYNDROME. Identifiers: Orphanet 857, MedGen C4551481, MONDO:0054581, OMIM 107480.
Congenital anomaly of kidney and urinary tract. Also called: Congenital anomalies of kidney and urinary tract; Congenital anomalies of the kidney and urinary tract. Identifiers: Orphanet 93545, MedGen C1968949, MeSH C566906, MONDO:0019719.

Allele frequency attached by ClinVar (database versions not stated): gnomAD exomes below 0.00001.
gnomAD v4.1: 4 of 1,614,150 alleles (0.00025%); highest among the groups gnomAD compares: South Asian, 0.0011%; no homozygotes.

Submissions (2):

Victorian Clinical Genetics Services, Murdoch Childrens Research Institute
Classification: Uncertain significance for Townes-Brocks syndrome 1. Last evaluated: 2020-06-11. Review status: criteria provided, single submitter. Criteria: ACMG Guidelines, 2015. Collection method: clinical testing. Allele origin: germline. Inheritance: Autosomal dominant inheritance. Affected: yes.
Comment: Based on the classification scheme VCGS_Germline_v1.1.1, this variant is classified as 3C-VUS. Following criteria are met: 0102 - Loss-of-function is a known mechanism of disease for this gene. (N) 0107 - This gene is known to be associated with autosomal dominant disease. (N) 0200 - Variant is predicted to result in a missense amino acid change from glutamine to arginine. This variant is in exon 2 of the SALL1 gene. (N) 0251 - Variant is heterozygous. (N) 0301 - Variant is absent from gnomAD. (P) 0503 - Missense variant consistently predicted to be tolerated and not conserved in mammals with a minor amino acid change. (B) 0604 - Variant is not located in an established domain, motif, hotspot or informative constraint region. (N) 0705 - No comparable variants have previous evidence for pathogenicity. (N) 0807 - Variant has not previously been reported in a clinical context. (N) 0905 - No segregation evidence has been identified for this variant in the literature. (N) 1007 - No published functional evidence has been identified for this variant. (N) 1208 - Inheritance information for this variant is not currently available. (N) Legend: (P) - Pathogenic, (N) - Neutral, (B) - Benign

Sydney Genome Diagnostics, Children's Hospital Westmead
Classification: Uncertain significance for Congenital anomaly of kidney and urinary tract. Last evaluated: 2018-06-05. Review status: no assertion criteria provided. Collection method: clinical testing. Allele origin: unknown. Affected: yes. Observed: 1 variant allele, 1 heterozygote. Not counted in ClinVar's aggregate classification.
Comment: The variant has not been reported in any population databases (i.e. gnomAD, ExAC, ESP or dbSNP). To our knowledge, this variant has not been previously reported in the literature or any disease specific databases. In silico analysis of pathogenicity (through Alamut Visual v2.8.1) using PolyPhen2, SIFT, MutationTaster and Align GVGD suggest that this variant does not affect protein function and is likely to be benign. However, this analysis alone cannot be used to exclude pathogenicity. This variant is considered to be a variant of uncertain clinical significance (VOUS) according to the ACMG guidelines.